The following is an entry in ClinVar:

ClinVar aggregate classification (germline): Uncertain significance (1 of 4 stars; one submission).

Submission:

Ambry Genetics
Classification: Uncertain significance. Last evaluated: 2022-08-23. Review status: criteria provided, single submitter. Criteria: Ambry Variant Classification Scheme 2023. Collection method: clinical testing. Allele origin: germline.
Comment: The p.Q560R variant (also known as c.1679A>G), located in coding exon 9 of the PALLD gene, results from an A to G substitution at nucleotide position 1679. The glutamine at codon 560 is replaced by arginine, an amino acid with highly similar properties. This amino acid position is conserved. In addition, this alteration is predicted to be tolerated by in silico analysis. Since supporting evidence is limited at this time, the clinical significance of this alteration remains unclear.

NM_001166108.2(PALLD):c.1679A>G (p.Gln560Arg)

Gene: PALLD (palladin, cytoskeletal associated protein; plus strand). Cytogenetic location: 4q32.3.
Variant type: single nucleotide variant.
Coding change: c.1679A>G on transcript NM_001166108.2 (MANE Select); coding-DNA position 1679, A replaced by G.
Protein change: p.Gln560Arg; replaces glutamine 560 with arginine.
Molecular consequence: missense variant.
Genome position (GRCh38, 1-based): chr4:168,711,638, A>G. VCF-style: chr4-168711638-A-G. GRCh37 (hg19) VCF-style: chr4-169632789-A-G.
Other names: c.533A>G, p.Gln178Arg (NM_001166109.2); c.1679A>G, p.Gln560Arg (NM_016081.4); short protein forms Q178R, Q560R.
Identifiers: ClinVar variation 1777847 (VCV001777847.2), dbSNP rs2531854789, ClinGen allele CA358797981.